The following is an entry in ClinVar:

NM_145262.4(GLYCTK):c.578A>G (p.Glu193Gly)

Gene: GLYCTK (glycerate kinase; plus strand). Cytogenetic location: 3p21.2.
Variant type: single nucleotide variant.
Coding change: c.578A>G on transcript NM_145262.4 (MANE Select); coding-DNA position 578, A replaced by G.
Protein change: p.Glu193Gly; replaces glutamic acid 193 with glycine.
Molecular consequence: missense variant. On other transcripts: non-coding transcript variant (3), intron variant (1).
Genome position (GRCh38, 1-based): chr3:52,291,795, A>G. VCF-style: chr3-52291795-A-G. GRCh37 (hg19) VCF-style: chr3-52325811-A-G.
Other names: c.530-465A>G (NM_001144951.2); c.578A>G (NM_145262.3); short protein forms E193G.
Identifiers: ClinVar variation 1508117 (VCV001508117.6), dbSNP rs747941622, ClinGen allele CA2432129.

ClinVar aggregate classification (germline): Uncertain significance. Review status: criteria provided, multiple submitters, no conflicts (2 of 4 stars). 3 submissions from 3 submitters: Uncertain significance (3). Last evaluated 2022-07-06.

Allele frequency attached by ClinVar (database versions not stated): ExAC 0.00002; gnomAD 0.00002; gnomAD exomes 0.00002 and 0.00003; TOPMed 0.00003.
gnomAD v4.1: 48 of 1,613,632 alleles (0.003%); highest among the groups gnomAD compares: Middle Eastern, 0.082%; no homozygotes.

Submissions (3):

Labcorp Genetics (formerly Invitae), Labcorp
Classification: Uncertain significance. Last evaluated: 2022-07-06. Review status: criteria provided, single submitter. Criteria: Invitae Variant Classification Sherloc (09022015). Collection method: clinical testing. Allele origin: germline.
Comment: In summary, the available evidence is currently insufficient to determine the role of this variant in disease. Therefore, it has been classified as a Variant of Uncertain Significance. Algorithms developed to predict the effect of missense changes on protein structure and function are either unavailable or do not agree on the potential impact of this missense change (SIFT: "Deleterious"; PolyPhen-2: "Benign"; Align-GVGD: "Class C0"). ClinVar contains an entry for this variant (Variation ID: 1508117). This variant has not been reported in the literature in individuals affected with GLYCTK-related conditions. This variant is present in population databases (rs747941622, gnomAD 0.005%). This sequence change replaces glutamic acid, which is acidic and polar, with glycine, which is neutral and non-polar, at codon 193 of the GLYCTK protein (p.Glu193Gly).

Ambry Genetics
Classification: Uncertain significance. Last evaluated: 2021-09-16. Review status: criteria provided, single submitter. Criteria: Ambry Variant Classification Scheme 2023. Collection method: clinical testing. Allele origin: germline.

Breakthrough Genomics
Classification: Uncertain significance. Review status: criteria provided, single submitter. Criteria: ACMG Guidelines, 2015. Collection method: not provided. Allele origin: germline. Inheritance: Autosomal recessive inheritance. Affected: yes.